The following is an entry in ClinVar:

NM_203447.4(DOCK8):c.3640C>T (p.Leu1214Phe)

Gene: DOCK8 (dedicator of cytokinesis 8; plus strand). Cytogenetic location: 9p24.3.
Variant type: single nucleotide variant.
Coding change: c.3640C>T on transcript NM_203447.4 (MANE Select); coding-DNA position 3640, C replaced by T.
Protein change: p.Leu1214Phe; replaces leucine 1214 with phenylalanine.
Molecular consequence: missense variant.
Genome position (GRCh38, 1-based): chr9:414,891, C>T. VCF-style: chr9-414891-C-T. GRCh37 (hg19) VCF-style: chr9-414891-C-T.
Other names: c.3340C>T, p.Leu1114Phe (NM_001190458.2); c.3436C>T, p.Leu1146Phe (NM_001193536.2); short protein forms L1114F, L1214F, L1146F.
Identifiers: ClinVar variation 1498244 (VCV001498244.6), dbSNP rs1373790109, ClinGen allele CA372760827.

ClinVar aggregate classification (germline): Uncertain significance (1 of 4 stars; one submission).

Conditions:
Hyper-IgE recurrent infection syndrome 3, autosomal recessive. Also called: Autosomal recessive hyper-IgE syndrome due to ZNF341 deficiency; HYPER-IgE SYNDROME 3, AUTOSOMAL RECESSIVE, WITH RECURRENT INFECTIONS. Identifiers: Orphanet 641368, MedGen C4748969, MONDO:0032654, OMIM 618282.

Allele frequency attached by ClinVar (database versions not stated): gnomAD exomes below 0.00001; gnomAD 0.00001.
gnomAD v4.1: 5 of 1,614,226 alleles (0.00031%); highest among the groups gnomAD compares: South Asian, 0.0033%; no homozygotes.

Submission:

Labcorp Genetics (formerly Invitae), Labcorp
Classification: Uncertain significance for Combined immunodeficiency due to DOCK8 deficiency. Last evaluated: 2022-05-17. Review status: criteria provided, single submitter. Criteria: Invitae Variant Classification Sherloc (09022015). Collection method: clinical testing. Allele origin: germline.
Comment: This variant has not been reported in the literature in individuals affected with DOCK8-related conditions. Algorithms developed to predict the effect of missense changes on protein structure and function are either unavailable or do not agree on the potential impact of this missense change (SIFT: "Deleterious"; PolyPhen-2: "Probably Damaging"; Align-GVGD: "Class C0"). In summary, the available evidence is currently insufficient to determine the role of this variant in disease. Therefore, it has been classified as a Variant of Uncertain Significance. This variant is present in population databases (no rsID available, gnomAD 0.006%). This sequence change replaces leucine, which is neutral and non-polar, with phenylalanine, which is neutral and non-polar, at codon 1214 of the DOCK8 protein (p.Leu1214Phe).